The following is an entry in ClinVar:

ClinVar aggregate classification (germline): Uncertain significance (1 of 4 stars; one submission).

Submission:

GeneDx
Classification: Uncertain significance. Last evaluated: 2023-12-03. Review status: criteria provided, single submitter. Criteria: GeneDx Variant Classification Process June 2021. Collection method: clinical testing. Allele origin: germline. Affected: yes.
Comment: Not observed at significant frequency in large population cohorts (gnomAD); In silico analysis supports that this missense variant has a deleterious effect on protein structure/function; Has not been previously published as pathogenic or benign to our knowledge; Variants in candidate genes are classified as variants of uncertain significance in accordance with ACMG guidelines (PMID: 25741868)

NM_001099402.2(CCNK):c.1096C>T (p.Pro366Ser)

Genes: CCDC85C (coiled-coil domain containing 85C; minus strand), CCNK (cyclin K; plus strand). Cytogenetic location: 14q32.2.
Variant type: single nucleotide variant.
Coding change: c.1096C>T on transcript NM_001099402.2 (MANE Select); coding-DNA position 1096, C replaced by T.
Protein change: p.Pro366Ser; replaces proline 366 with serine.
Molecular consequence: missense variant. On other transcripts: 3 prime UTR variant (1).
Genome position (GRCh38, 1-based): chr14:99,507,126, C>T. VCF-style: chr14-99507126-C-T. GRCh37 (hg19) VCF-style: chr14-99973463-C-T.
Other names: c.*8120G>A (NM_001144995.2); short protein forms P366S.
Identifiers: ClinVar variation 4685111 (VCV004685111.1).